The following is an entry in ClinVar:

ClinVar aggregate classification (germline): Benign/Likely benign. Review status: criteria provided, multiple submitters, no conflicts (2 of 4 stars). 3 submissions from 3 submitters: Benign (1); Likely benign (2). Last evaluated 2026-01-24.

Conditions:
Inborn genetic diseases. Identifiers: MedGen C0950123, MeSH D030342.
Brown-Vialetto-van Laere syndrome 1. Also called: BROWN-VIALETTO-VAN LAERE SYNDROME 1, MILD; PONTOBULBAR PALSY WITH DEAFNESS; BULBAR PALSY, PROGRESSIVE, WITH SENSORINEURAL DEAFNESS. Identifiers: Orphanet 572550, Orphanet 97229, MedGen C0796274, MONDO:0024537, OMIM 211530.

Allele frequency attached by ClinVar (database versions not stated): gnomAD exomes 0.00006 and 0.00032; gnomAD 0.00008 and 0.00007; TOPMed 0.00015; ExAC 0.00028.
gnomAD v4.1: 97 of 1,613,888 alleles (0.006%); highest among the groups gnomAD compares: Admixed American, 0.16%; 1 homozygote.

Submissions (3):

Labcorp Genetics (formerly Invitae), Labcorp
Classification: Benign for Brown-Vialetto-van Laere syndrome 1. Last evaluated: 2026-01-24. Review status: criteria provided, single submitter. Criteria: Invitae Variant Classification Sherloc (09022015). Collection method: clinical testing. Allele origin: germline.

Ambry Genetics
Classification: Likely benign for Inborn genetic diseases. Last evaluated: 2019-07-11. Review status: criteria provided, single submitter. Criteria: Ambry Variant Classification Scheme 2023. Collection method: clinical testing. Allele origin: germline.

Laboratory for Molecular Medicine, Mass General Brigham Personalized Medicine
Classification: Likely benign. Last evaluated: 2017-08-23. Review status: criteria provided, single submitter. Criteria: LMM Criteria. Collection method: clinical testing. Allele origin: germline. Observed: 1 variant allele.
Comment: p.Thr121Thr in exon 2 of SLC52A3: This variant is not expected to have clinical significance because it does not alter an amino acid residue and is not located within the splice consensus sequence. It has been identified in 0.29% (32/10982) of Latino chromosomes by the Exome Aggregation Consortium (ExAC; dbSNP rs749966154).

NM_033409.4(SLC52A3):c.363C>G (p.Thr121=)

Gene: SLC52A3 (solute carrier family 52 member 3; minus strand). Cytogenetic location: 20p13.
Variant type: single nucleotide variant.
Coding change: c.363C>G on transcript NM_033409.4 (MANE Select); coding-DNA position 363, C replaced by G.
Protein change: p.Thr121=; no amino-acid change (threonine 121 retained).
Molecular consequence: synonymous variant.
Genome position (GRCh38, 1-based): chr20:765,412, G>C on the plus strand (C>G on the coding strand, the complement: SLC52A3 is on the minus strand). VCF-style: chr20-765412-G-C. GRCh37 (hg19) VCF-style: chr20-746056-G-C.
Other names: c.363C>G, p.Thr121= (NM_001370085.1, NM_001370086.1).
Identifiers: ClinVar variation 543059 (VCV000543059.17), dbSNP rs749966154, ClinGen allele CA9724791.